The following is an entry in ClinVar:

ClinVar aggregate classification (germline): Likely benign (1 of 4 stars; one submission).

Allele frequency attached by ClinVar (database versions not stated): gnomAD exomes below 0.00001.
gnomAD v4.1: 4 of 1,614,218 alleles (0.00025%); highest among the groups gnomAD compares: Non-Finnish European, 0.00025%; no homozygotes.

Submission:

CeGaT Center for Human Genetics Tuebingen
Classification: Likely benign. Last evaluated: 2022-07-01. Review status: criteria provided, single submitter. Criteria: CeGaT Center For Human Genetics Tuebingen Variant Classification Criteria Version 2. Collection method: clinical testing. Allele origin: germline. Affected: yes. Observed: 1 variant allele.
Comment: EPG5: BP4

NM_020964.3(EPG5):c.3056T>C (p.Ile1019Thr)

Gene: EPG5 (ectopic P-granules 5 autophagy tethering factor; minus strand). Cytogenetic location: 18q21.1.
Variant type: single nucleotide variant.
Coding change: c.3056T>C on transcript NM_020964.3 (MANE Select); coding-DNA position 3056, T replaced by C.
Protein change: p.Ile1019Thr; replaces isoleucine 1019 with threonine.
Molecular consequence: missense variant.
Genome position (GRCh38, 1-based): chr18:45,922,383, A>G on the plus strand (T>C on the coding strand, the complement: EPG5 is on the minus strand). VCF-style: chr18-45922383-A-G. GRCh37 (hg19) VCF-style: chr18-43502349-A-G.
Other names: c.3056T>C, p.Ile1019Thr (NM_001410858.1, NM_001410859.1); short protein forms I1019T.
Identifiers: ClinVar variation 2648701 (VCV002648701.24), dbSNP rs1331972294, ClinGen allele CA402344060.